The following is an entry in ClinVar:

ClinVar aggregate classification (germline): Conflicting classifications of pathogenicity. Review status: criteria provided, conflicting classifications (1 of 4 stars). 8 submissions from 6 submitters: Uncertain significance (5); Benign (2); Likely benign (1). Last evaluated 2025-12-24.

Conditions:
Bronchiectasis with or without elevated sweat chloride 1 (BESC1). Also called: Cystic Fibrosis-Like Syndrome. Identifiers: Orphanet 60033, MedGen C2749757, MONDO:0008887, OMIM 211400.
Pseudohypoaldosteronism, type IB1, autosomal recessive. Also called: Autosomal recessive pseudohypoaldosteronism type 1; PHA I, AUTOSOMAL RECESSIVE; Pseudohypoaldosteronism, Type I, Autosomal Recessive; Pseudohypoaldosteronism, Type I, Recessive. Identifiers: Orphanet 171876, Orphanet 756, MedGen C5774176, MONDO:0009917, OMIM 264350.
Liddle syndrome 1 (LIDLS1). Also called: PSEUDOALDOSTERONISM. Identifiers: Orphanet 526, MedGen CN031472, MONDO:0020607, OMIM 177200.
Inborn genetic diseases. Identifiers: MedGen C0950123, MeSH D030342.
Pseudohypoaldosteronism, type IB2, autosomal recessive (PHA1B2). Identifiers: MedGen C5774255, MONDO:0859317, OMIM 620125.

Allele frequency attached by ClinVar (database versions not stated): ExAC 0.00003; gnomAD 0.00003 and 0.00004; TOPMed 0.00006.
gnomAD v4.1: 48 of 1,612,372 alleles (0.003%); highest among the groups gnomAD compares: East Asian, 0.022%; 1 homozygote.

Submissions (8):

Labcorp Genetics (formerly Invitae), Labcorp
Classification: Uncertain significance. Last evaluated: 2025-12-24. Review status: criteria provided, single submitter. Criteria: Invitae Variant Classification Sherloc (09022015). Collection method: clinical testing. Allele origin: germline.
Comment: This sequence change replaces aspartic acid, which is acidic and polar, with histidine, which is basic and polar, at codon 634 of the SCNN1B protein (p.Asp634His). This variant is present in population databases (rs776613953, gnomAD 0.03%). This variant has not been reported in the literature in individuals affected with SCNN1B-related conditions. ClinVar contains an entry for this variant (Variation ID: 318447). An algorithm developed to predict the effect of missense changes on protein structure and function (PolyPhen-2) suggests that this variant is likely to be disruptive. In summary, the available evidence is currently insufficient to determine the role of this variant in disease. Therefore, it has been classified as a Variant of Uncertain Significance.

Blueprint Genetics
Classification: Uncertain significance. Last evaluated: 2024-11-20. Review status: criteria provided, single submitter. Criteria: ACMG Guidelines, 2015. Collection method: clinical testing. Allele origin: germline.

Fulgent Genetics
Classification: Likely benign for Liddle syndrome 1; Bronchiectasis with or without elevated sweat chloride 1; Pseudohypoaldosteronism, type IB2, autosomal recessive. Last evaluated: 2024-05-28. Review status: criteria provided, single submitter. Criteria: ACMG Guidelines, 2015. Collection method: clinical testing. Allele origin: germline.

Ambry Genetics
Classification: Uncertain significance for Inborn genetic diseases. Last evaluated: 2024-02-28. Review status: criteria provided, single submitter. Criteria: Ambry Variant Classification Scheme 2023. Collection method: clinical testing. Allele origin: germline.

Genetics and Molecular Pathology, SA Pathology
Classification: Uncertain significance for Bronchiectasis with or without elevated sweat chloride 1. Last evaluated: 2021-08-09. Review status: criteria provided, single submitter. Criteria: ACMG Guidelines, 2015. Collection method: clinical testing. Allele origin: germline. Inheritance: Autosomal dominant inheritance. Affected: yes.

Illumina Laboratory Services, Illumina
Classification: Benign for Bronchiectasis with or without elevated sweat chloride 1. Last evaluated: 2018-01-12. Review status: criteria provided, single submitter. Criteria: ICSL Variant Classification Criteria 13 December 2019. Collection method: clinical testing. Allele origin: germline.
Comment: This variant was observed in the ICSL laboratory as part of a predisposition screen in an ostensibly healthy population. It had not been previously curated by ICSL or reported in the Human Gene Mutation Database (HGMD: prior to June 1st, 2018), and was therefore a candidate for classification through an automated scoring system. Utilizing variant allele frequency, disease prevalence and penetrance estimates, and inheritance mode, an automated score was calculated to assess if this variant is too frequent to cause the disease. Based on the score and internal cut-off values, a variant classified as benign is not then subjected to further curation. The score for this variant resulted in a classification of benign for this disease.

Illumina Laboratory Services, Illumina
Classification: Benign for Liddle syndrome 1. Last evaluated: 2018-01-12. Review status: criteria provided, single submitter. Criteria: ICSL Variant Classification Criteria 13 December 2019. Collection method: clinical testing. Allele origin: germline.
Comment: the same text as in the submission from Illumina Laboratory Services, Illumina above.

Illumina Laboratory Services, Illumina
Classification: Uncertain significance for Pseudohypoaldosteronism, type IB1, autosomal recessive. Last evaluated: 2018-01-12. Review status: criteria provided, single submitter. Criteria: ICSL Variant Classification Criteria 13 December 2019. Collection method: clinical testing. Allele origin: germline.

NM_000336.3(SCNN1B):c.1900G>C (p.Asp634His)

Gene: SCNN1B (sodium channel epithelial 1 subunit beta; plus strand). Cytogenetic location: 16p12.2.
Variant type: single nucleotide variant.
Coding change: c.1900G>C on transcript NM_000336.3 (MANE Select); coding-DNA position 1900, G replaced by C.
Protein change: p.Asp634His; replaces aspartic acid 634 with histidine.
Molecular consequence: missense variant.
Genome position (GRCh38, 1-based): chr16:23,380,778, G>C. VCF-style: chr16-23380778-G-C. GRCh37 (hg19) VCF-style: chr16-23392099-G-C.
Other names: short protein forms D634H.
Identifiers: ClinVar variation 318447 (VCV000318447.14), dbSNP rs776613953, ClinGen allele CA7960675.